The following is an entry in ClinVar:

NM_052947.4(ALPK2):c.3037A>C (p.Ile1013Leu)

Gene: ALPK2 (alpha kinase 2; minus strand). Cytogenetic location: 18q21.31.
Variant type: single nucleotide variant.
Coding change: c.3037A>C on transcript NM_052947.4 (MANE Select); coding-DNA position 3037, A replaced by C.
Protein change: p.Ile1013Leu; replaces isoleucine 1013 with leucine.
Molecular consequence: missense variant.
Genome position (GRCh38, 1-based): chr18:58,537,150, T>G on the plus strand (A>C on the coding strand, the complement: ALPK2 is on the minus strand). VCF-style: chr18-58537150-T-G. GRCh37 (hg19) VCF-style: chr18-56204382-T-G.
Other names: short protein forms I1013L.
Identifiers: ClinVar variation 2564056 (VCV002564056.2), dbSNP rs2518876972, ClinGen allele CA402569236.

ClinVar aggregate classification (germline): Uncertain significance (1 of 4 stars; one submission).

Submission:

Ambry Genetics
Classification: Uncertain significance. Last evaluated: 2023-04-19. Review status: criteria provided, single submitter. Criteria: Ambry Variant Classification Scheme 2023. Collection method: clinical testing. Allele origin: germline.
Comment: The p.I1013L variant (also known as c.3037A>C), located in coding exon 4 of the ALPK2 gene, results from an A to C substitution at nucleotide position 3037. The isoleucine at codon 1013 is replaced by leucine, an amino acid with highly similar properties. This amino acid position is conserved. In addition, this alteration is predicted to be tolerated by in silico analysis. Since supporting evidence is limited at this time, the clinical significance of this alteration remains unclear.